The following is an entry in ClinVar:

NM_138694.4(PKHD1):c.9693A>C (p.Arg3231Ser)

Gene: PKHD1 (PKHD1 ciliary IPT domain containing fibrocystin/polyductin; minus strand). Cytogenetic location: 6p12.3.
Variant type: single nucleotide variant.
Coding change: c.9693A>C on transcript NM_138694.4 (MANE Select); coding-DNA position 9693, A replaced by C.
Protein change: p.Arg3231Ser; replaces arginine 3231 with serine.
Molecular consequence: missense variant.
Genome position (GRCh38, 1-based): chr6:51,747,923, T>G on the plus strand (A>C on the coding strand, the complement: PKHD1 is on the minus strand). VCF-style: chr6-51747923-T-G. GRCh37 (hg19) VCF-style: chr6-51612721-T-G.
Other names: c.9693A>C, p.Arg3231Ser (NM_170724.3); short protein forms R3231S.
Identifiers: ClinVar variation 1526168 (VCV001526168.1), dbSNP rs1194740215, ClinGen allele CA364420518.

ClinVar aggregate classification (germline): Uncertain significance (1 of 4 stars; one submission).

Conditions:
Polycystic kidney disease 4 (PKD4). Also called: POLYCYSTIC KIDNEY DISEASE 4 WITH OR WITHOUT POLYCYSTIC LIVER DISEASE; PKD3; Autosomal Recessive Polycystic Kidney Disease – PKHD1; POLYCYSTIC KIDNEY AND HEPATIC DISEASE 1; POLYCYSTIC KIDNEY DISEASE, INFANTILE, TYPE I. Identifiers: MedGen C4540575, MONDO:0033004, OMIM 263200.

Allele frequency attached by ClinVar (database versions not stated): gnomAD exomes below 0.00001.
gnomAD v4.1: 1 of 1,614,078 alleles (0.000062%); highest among the groups gnomAD compares: Non-Finnish European, 0.000085%; no homozygotes.

Submission:

3billion
Classification: Uncertain significance for Polycystic kidney disease 4. Last evaluated: 2022-03-22. Review status: criteria provided, single submitter. Criteria: ACMG Guidelines, 2015. Collection method: clinical testing. Allele origin: germline. Affected: yes. Observed: 1 heterozygote.
Comment: The variant is observed at an extremely low frequency in the gnomAD v2.1.1 dataset (total allele frequency: 0.0000040). Therefore, this variant is classified as uncertain significance according to the recommendation of ACMG/AMP guideline.